The following is an entry in ClinVar:

NM_002354.3(EPCAM):c.923T>C (p.Met308Thr)

Gene: EPCAM (epithelial cell adhesion molecule; plus strand). Cytogenetic location: 2p21.
Variant type: single nucleotide variant.
Coding change: c.923T>C on transcript NM_002354.3 (MANE Select); coding-DNA position 923, T replaced by C.
Protein change: p.Met308Thr; replaces methionine 308 with threonine.
Molecular consequence: missense variant.
Genome position (GRCh38, 1-based): chr2:47,386,591, T>C. VCF-style: chr2-47386591-T-C. GRCh37 (hg19) VCF-style: chr2-47613730-T-C.
Other names: short protein forms M308T.
Identifiers: ClinVar variation 4018572 (VCV004018572.1).

ClinVar aggregate classification (germline): Uncertain significance (1 of 4 stars; one submission).

Conditions:
Hereditary cancer-predisposing syndrome. Also called: Tumor predisposition; Hereditary neoplastic syndrome; Neoplastic Syndromes, Hereditary; Hereditary Cancer Syndrome. Identifiers: Orphanet 140162, MedGen C0027672, MeSH D009386, MONDO:0015356.

Submission:

Ambry Genetics
Classification: Uncertain significance for Hereditary cancer-predisposing syndrome. Last evaluated: 2025-04-28. Review status: criteria provided, single submitter. Criteria: Ambry Variant Classification Scheme 2023. Collection method: clinical testing. Allele origin: germline.
Comment: The p.M308T variant (also known as c.923T>C), located in coding exon 9 of the EPCAM gene, results from a T to C substitution at nucleotide position 923. The methionine at codon 308 is replaced by threonine, an amino acid with similar properties. This amino acid position is conserved. In addition, the in silico prediction for this alteration is inconclusive. Based on the available evidence, the clinical significance of this variant remains unclear.